The following is an entry in ClinVar:

NM_001365951.3(KIF1B):c.2389A>G (p.Thr797Ala)

Gene: KIF1B (kinesin family member 1B; plus strand). Cytogenetic location: 1p36.22.
Variant type: single nucleotide variant.
Coding change: c.2389A>G on transcript NM_001365951.3 (MANE Select); coding-DNA position 2389, A replaced by G.
Protein change: p.Thr797Ala; replaces threonine 797 with alanine.
Molecular consequence: missense variant.
Genome position (GRCh38, 1-based): chr1:10,323,914, A>G. VCF-style: chr1-10323914-A-G. GRCh37 (hg19) VCF-style: chr1-10383972-A-G.
Other names: c.2389A>G, p.Thr797Ala (NM_001365952.1); c.2251A>G, p.Thr751Ala (NM_015074.3); short protein forms T751A, T797A.
Identifiers: ClinVar variation 3533971 (VCV003533971.4).

ClinVar aggregate classification (germline): Uncertain significance. Review status: criteria provided, multiple submitters, no conflicts (2 of 4 stars). 3 submissions from 3 submitters: Uncertain significance (3). Last evaluated 2024-08-12.

Conditions:
Charcot-Marie-Tooth disease type 2. Also called: Charcot-Marie-Tooth type 2. Identifiers: Orphanet 64746, MedGen C0270914, MONDO:0018993.
Neuroblastoma, susceptibility to, 1. Identifiers: MedGen C2749485, MONDO:0009741, OMIM 256700.
Charcot-Marie-Tooth disease type 2A1. Also called: CHARCOT-MARIE-TOOTH DISEASE, AXONAL, TYPE 2A1; CHARCOT-MARIE-TOOTH DISEASE, AXONAL, AUTOSOMAL DOMINANT, TYPE 2A1; CHARCOT-MARIE-TOOTH DISEASE, NEURONAL, TYPE 2A1; CHARCOT-MARIE-TOOTH NEUROPATHY, TYPE 2A1; HEREDITARY MOTOR AND SENSORY NEUROPATHY IIA1. Identifiers: Orphanet 99946, MedGen C1861678, MONDO:0007308, OMIM 118210.

Submissions (3):

Ambry Genetics
Classification: Uncertain significance. Last evaluated: 2024-08-12. Review status: criteria provided, single submitter. Criteria: Ambry Variant Classification Scheme 2023. Collection method: clinical testing. Allele origin: germline.
Comment: The p.T751A variant (also known as c.2251A>G), located in coding exon 22 of the KIF1B gene, results from an A to G substitution at nucleotide position 2251. The threonine at codon 751 is replaced by alanine, an amino acid with similar properties. This amino acid position is conserved. In addition, the in silico prediction for this alteration is inconclusive. Based on the available evidence, the clinical significance of this variant remains unclear.

Fulgent Genetics
Classification: Uncertain significance for Charcot-Marie-Tooth disease type 2A1; Neuroblastoma, susceptibility to, 1. Last evaluated: 2024-05-23. Review status: criteria provided, single submitter. Criteria: ACMG Guidelines, 2015. Collection method: clinical testing. Allele origin: germline.

Labcorp Genetics (formerly Invitae), Labcorp
Classification: Uncertain significance for Charcot-Marie-Tooth disease type 2. Last evaluated: 2024-03-25. Review status: criteria provided, single submitter. Criteria: Invitae Variant Classification Sherloc (09022015). Collection method: clinical testing. Allele origin: germline.
Comment: This sequence change replaces threonine, which is neutral and polar, with alanine, which is neutral and non-polar, at codon 751 of the KIF1B protein (p.Thr751Ala). This variant is not present in population databases (gnomAD no frequency). This variant has not been reported in the literature in individuals affected with KIF1B-related conditions. Advanced modeling of protein sequence and biophysical properties (such as structural, functional, and spatial information, amino acid conservation, physicochemical variation, residue mobility, and thermodynamic stability) performed at Invitae indicates that this missense variant is not expected to disrupt KIF1B protein function with a negative predictive value of 80%. In summary, the available evidence is currently insufficient to determine the role of this variant in disease. Therefore, it has been classified as a Variant of Uncertain Significance.